The following is an entry in ClinVar:

ClinVar aggregate classification (germline): Uncertain significance. Review status: criteria provided, multiple submitters, no conflicts (2 of 4 stars). 2 submissions from 2 submitters: Uncertain significance (2). Last evaluated 2024-10-15.

Conditions:
Hereditary cancer-predisposing syndrome. Also called: Hereditary Cancer Syndrome; Hereditary neoplastic syndrome; Neoplastic Syndromes, Hereditary; Tumor predisposition. Identifiers: Orphanet 140162, MedGen C0027672, MeSH D009386, MONDO:0015356.
Familial adenomatous polyposis 1 (FAP1). Also called: FAMILIAL ADENOMATOUS POLYPOSIS 1, ATTENUATED; POLYPOSIS, ADENOMATOUS INTESTINAL. Identifiers: MedGen C2713442, MONDO:0021056, OMIM 175100. Disease mechanism: loss of function.

Submissions (2):

Ambry Genetics
Classification: Uncertain significance for Hereditary cancer-predisposing syndrome. Last evaluated: 2024-10-15. Review status: criteria provided, single submitter. Criteria: Ambry Variant Classification Scheme 2023. Collection method: clinical testing. Allele origin: germline.
Comment: The p.S2022L variant (also known as c.6065C>T), located in coding exon 15 of the APC gene, results from a C to T substitution at nucleotide position 6065. The serine at codon 2022 is replaced by leucine, an amino acid with dissimilar properties. This amino acid position is highly conserved in available vertebrate species. In addition, in silico predictors for this gene do not accurately predict pathogenicity. Missense alterations in APC are not a common cause of disease (Spier I et al. Genet Med. 2024 Feb;26(2):100992). Based on the available evidence, the clinical significance of this variant remains unclear.

Labcorp Genetics (formerly Invitae), Labcorp
Classification: Uncertain significance for Familial adenomatous polyposis 1. Last evaluated: 2024-01-07. Review status: criteria provided, single submitter. Criteria: Invitae Variant Classification Sherloc (09022015). Collection method: clinical testing. Allele origin: germline.
Comment: This sequence change replaces serine, which is neutral and polar, with leucine, which is neutral and non-polar, at codon 2022 of the APC protein (p.Ser2022Leu). This variant is not present in population databases (gnomAD no frequency). This variant has not been reported in the literature in individuals affected with APC-related conditions. ClinVar contains an entry for this variant (Variation ID: 1751346). Advanced modeling of protein sequence and biophysical properties (such as structural, functional, and spatial information, amino acid conservation, physicochemical variation, residue mobility, and thermodynamic stability) performed at Invitae indicates that this missense variant is not expected to disrupt APC protein function with a negative predictive value of 95%. In summary, the available evidence is currently insufficient to determine the role of this variant in disease. Therefore, it has been classified as a Variant of Uncertain Significance.

NM_000038.6(APC):c.6065C>T (p.Ser2022Leu)

Gene: APC (APC regulator of Wnt signaling pathway; plus strand). Cytogenetic location: 5q22.2.
Variant type: single nucleotide variant.
Coding change: c.6065C>T on transcript NM_000038.6 (MANE Select); coding-DNA position 6065, C replaced by T.
Protein change: p.Ser2022Leu; replaces serine 2022 with leucine.
Molecular consequence: missense variant.
Genome position (GRCh38, 1-based): chr5:112,841,659, C>T. VCF-style: chr5-112841659-C-T. GRCh37 (hg19) VCF-style: chr5-112177356-C-T.
Other names: c.6065C>T, p.Ser2022Leu (NM_001127510.3, NM_001354895.2, NM_001407450.1); c.6011C>T, p.Ser2004Leu (NM_001127511.3); c.6119C>T, p.Ser2040Leu (NM_001354896.2, NM_001407447.1, NM_001407448.1 and 1 more transcripts); c.6095C>T, p.Ser2032Leu (NM_001354897.2); c.5990C>T, p.Ser1997Leu (NM_001354898.2); c.5981C>T, p.Ser1994Leu (NM_001354899.2); c.5942C>T, p.Ser1981Leu (NM_001354900.2); c.5888C>T, p.Ser1963Leu (NM_001354901.2, NM_001407453.1); and 11 more; short protein forms S1739L, S1963L, S2012L, S2015L, S2022L, S2040L, S1893L, S1921L.
Identifiers: ClinVar variation 1751346 (VCV001751346.6), dbSNP rs1554087174, ClinGen allele CA16034607.